The following is an entry in ClinVar:

ClinVar aggregate classification (germline): Likely pathogenic (1 of 4 stars; one submission).

Conditions:
Neuromuscular disease caused by qualitative or quantitative defects of dysferlin. Also called: Qualitative or quantitative defects of dysferlin; Dysferlinopathy. Identifiers: Orphanet 207073, MedGen C2931687, MONDO:0016145.

Allele frequency attached by ClinVar (database versions not stated): gnomAD exomes 0.00001 and 0.00002; ExAC 0.00004.
gnomAD v4.1: 9 of 1,613,984 alleles (0.00056%); highest among the groups gnomAD compares: African/African-American, 0.0013%; no homozygotes.

Submission:

Labcorp Genetics (formerly Invitae), Labcorp
Classification: Likely pathogenic for Neuromuscular disease caused by qualitative or quantitative defects of dysferlin. Last evaluated: 2024-02-27. Review status: criteria provided, single submitter. Criteria: Invitae Variant Classification Sherloc (09022015). Collection method: clinical testing. Allele origin: germline.
Comment: This sequence change replaces glycine, which is neutral and non-polar, with arginine, which is basic and polar, at codon 82 of the DYSF protein (p.Gly82Arg). This variant is present in population databases (rs780227798, gnomAD 0.004%). This missense change has been observed in individuals with clinical features of DYSF-related conditions (Invitae). ClinVar contains an entry for this variant (Variation ID: 960932). Advanced modeling of protein sequence and biophysical properties (such as structural, functional, and spatial information, amino acid conservation, physicochemical variation, residue mobility, and thermodynamic stability) performed at Invitae indicates that this missense variant is expected to disrupt DYSF protein function with a positive predictive value of 95%. In summary, the currently available evidence indicates that the variant is pathogenic, but additional data are needed to prove that conclusively. Therefore, this variant has been classified as Likely Pathogenic.

NM_001130987.2(DYSF):c.247G>A (p.Gly83Arg)

Gene: DYSF (dysferlin; plus strand). Cytogenetic location: 2p13.2.
Variant type: single nucleotide variant.
Coding change: c.247G>A on transcript NM_001130987.2 (MANE Select); coding-DNA position 247, G replaced by A.
Protein change: p.Gly83Arg; replaces glycine 83 with arginine.
Molecular consequence: missense variant.
Genome position (GRCh38, 1-based): chr2:71,503,221, G>A. VCF-style: chr2-71503221-G-A. GRCh37 (hg19) VCF-style: chr2-71730351-G-A.
Other names: c.247G>A, p.Gly83Arg (NM_001130455.2, NM_001130982.2, NM_001130983.2 and 3 more transcripts); c.244G>A, p.Gly82Arg (NM_001130976.2, NM_001130977.2, NM_001130978.2 and 4 more transcripts); short protein forms G82R, G83R.
Identifiers: ClinVar variation 960932 (VCV000960932.5), dbSNP rs780227798, ClinGen allele CA1705295.
Genomic context (GRCh38, chr2:71,503,221, plus strand): 5'-GAGCCAGGGTGCCTTAGGCTAGTTTTCTACATTTGACTTCTCTCTCCTCTCAGGTTCCTG[G>A]GGGAAGCCAAGGTCCCACTCCGAGAGGTCCTCGCCACCCCTAGTCTGTCCGCCAGCTTCA-3'
Protein context (NP_001124459.1, residues 73-93): HETMGRNRFL[Gly83Arg]EAKVPLREVL